The following is an entry in ClinVar:

NM_000059.4(BRCA2):c.8754+4A>G

Gene: BRCA2 (BRCA2 DNA repair associated; plus strand). Cytogenetic location: 13q13.1.
Variant type: single nucleotide variant.
Coding change: c.8754+4A>G on transcript NM_000059.4 (MANE Select); 4 bases into the intron after coding-DNA position 8754, A replaced by G.
Molecular consequence: intron variant.
Genome position (GRCh38, 1-based): chr13:32,376,795, A>G. VCF-style: chr13-32376795-A-G. GRCh37 (hg19) VCF-style: chr13-32950932-A-G.
Other names: IVS21+4A>G.
Identifiers: ClinVar variation 52669 (VCV000052669.35), dbSNP rs81002893, ClinGen allele CA025806.

ClinVar aggregate classification (germline): Pathogenic. Review status: reviewed by expert panel (3 of 4 stars). 13 submissions from 13 submitters: Pathogenic (1). 12 of the submissions do not count toward it. Last evaluated 2019-06-18.

Conditions:
Hereditary breast ovarian cancer syndrome. Also called: Hereditary breast and ovarian cancer syndrome; Hereditary breast and ovarian cancer; Hereditary breast and ovarian cancer syndrome (HBOC); Breast and ovarian cancer; Hereditary breast and/or ovarian cancer syndrome; BRCA1- and BRCA2-Associated Hereditary Breast and Ovarian Cancer. Identifiers: Orphanet 145, MedGen C0677776, MeSH D061325, MONDO:0003582. Disease mechanism: loss of function.
Hereditary cancer-predisposing syndrome. Also called: Neoplastic Syndromes, Hereditary; Tumor predisposition; Hereditary neoplastic syndrome; Hereditary Cancer Syndrome. Identifiers: Orphanet 140162, MedGen C0027672, MeSH D009386, MONDO:0015356.
Malignant tumor of breast. Also called: Malignant breast neoplasm; Cancer breast. Identifiers: MedGen C0006142, MONDO:0007254. Disease mechanism: loss of function.
Breast-ovarian cancer, familial, susceptibility to, 2 (BROVCA2). Also called: BRCA2 Hereditary Breast and Ovarian Cancer. Identifiers: Orphanet 145, MedGen C2675520, MONDO:0012933, OMIM 612555. Disease mechanism: loss of function.

Allele frequency attached by ClinVar (database versions not stated): gnomAD exomes below 0.00001.
gnomAD v4.1: 1 of 1,613,982 alleles (0.000062%); highest among the groups gnomAD compares: Non-Finnish European, 0.000085%; no homozygotes.

Submissions 1 to 7 of 13:

Evidence-based Network for the Interpretation of Germline Mutant Alleles (ENIGMA)
Classification: Pathogenic for Breast-ovarian cancer, familial, susceptibility to, 2. Last evaluated: 2019-06-18. Review status: reviewed by expert panel. Criteria: ENIGMA BRCA1/2 Classification Criteria (2017-06-29). Collection method: curation. Allele origin: germline.
Comment: Allele-specific assay on patient-derived mRNA demonstrated that the variant allele produces only predicted non-functional transcripts. Variant allele produces r.8754_8755ins8754+1_8754+46 transcript (PMID: 22505045). A mRNA splicing mini-gene assay has concordant results (PMID: 25382762).

Labcorp Genetics (formerly Invitae), Labcorp
Classification: Pathogenic for Hereditary breast ovarian cancer syndrome. Last evaluated: 2025-08-13. Review status: criteria provided, single submitter. Criteria: Invitae Variant Classification Sherloc (09022015). Collection method: clinical testing. Allele origin: germline. Not counted in ClinVar's aggregate classification.
Comment: This sequence change falls in intron 21 of the BRCA2 gene. It does not directly change the encoded amino acid sequence of the BRCA2 protein. RNA analysis indicates that this variant induces altered splicing and may result in an absent or altered protein product. This variant is not present in population databases (gnomAD no frequency). This variant has been observed in individual(s) with ovarian, prostate and breast cancer (PMID: 17011978, 20927582, 27433846, 28199346). This variant is also known as IVS21+4A>G. ClinVar contains an entry for this variant (Variation ID: 52669). Based on a multifactorial likelihood algorithm using genetic, in silico, and/or statistical data, this variant has been determined to have a high probability of being pathogenic (PMID: 17924331, 21990134, 31131967). Variants that disrupt the consensus splice site are a relatively common cause of aberrant splicing (PMID: 17576681, 9536098). Studies have shown that this variant alters mRNA splicing and is expected to lead to the loss of protein expression (PMID: 17011978, 22505045, 25382762). For these reasons, this variant has been classified as Pathogenic.

Quest Diagnostics Nichols Institute San Juan Capistrano
Classification: Pathogenic. Last evaluated: 2025-02-18. Review status: criteria provided, single submitter. Criteria: Quest Diagnostics criteria. Collection method: clinical testing. Allele origin: unknown. Not counted in ClinVar's aggregate classification.
Comment: The BRCA2 c.8754+4A>G variant has been reported in the published literature in individuals with breast, ovarian, male breast and prostate cancers (PMID: 34072659 (2021), 32438681 (2020), 31723001 (2020), 31528241 (2019), 27433846 (2016), 23096105 (2012), 18284688 (2008), 18779604 (2008)). Functional data indicated that this variant creates a cryptic splice site and interferes with normal BRCA2 mRNA splicing (PMID: 25382762 (2015), 22505045 (2012), 17011978 (2006)), and it is damaging to homology directed repair (PMID: 32398771 (2020)). This variant has not been reported in large, multi-ethnic general populations (Genome Aggregation Database). Analysis of this variant using software algorithms for the prediction of the effect of nucleotide changes on splicing yielded predictions that this variant may affect proper BRCA2 mRNA splicing. Based on the available information, this variant is classified as pathogenic.

Color Diagnostics, LLC DBA Color Health
Classification: Pathogenic for Hereditary cancer-predisposing syndrome. Last evaluated: 2024-10-28. Review status: criteria provided, single submitter. Criteria: ACMG Guidelines, 2015. Collection method: clinical testing. Allele origin: germline. Not counted in ClinVar's aggregate classification.
Comment: This variant causes an A to G nucleotide substitution at the +4 position of intron 21 of the BRCA2 gene. RNA studies have shown that this variant causes use of a cryptic splice site, resulting in premature truncation (PMID: 17011978, 22505045, 25382762). In a functional study in Brca2-deficient mouse embryonic stem cells, this variant displayed full complementation, but impaired homology-directed DNA repair (PMID: 32398771). This variant has been reported in at least 4 unrelated individuals affected with breast or ovarian cancer (PMID: 20927582, 23096105, 31528241, 34072659), and in 1 individual affected with prostate cancer (PMID: 27433846). This variant has been reported in multifactorial analyses with a combined likelihood ratio for pathogenicity of 16.5789066918038 based on segregation, tumor pathology, co-occurrence and personal and family history for three carriers (PMID: 31131967, 31853058). This variant has not been identified in the general population by the Genome Aggregation Database (gnomAD). Loss of BRCA2 function is a known mechanism of disease. Based on the available evidence, this variant is classified as Pathogenic.

Ambry Genetics
Classification: Pathogenic for Hereditary cancer-predisposing syndrome. Last evaluated: 2023-09-05. Review status: criteria provided, single submitter. Criteria: Ambry Variant Classification Scheme 2023. Collection method: clinical testing. Allele origin: germline. Not counted in ClinVar's aggregate classification.
Comment: The c.8754+4A>G intronic pathogenic mutation results from an A to G substitution 4 nucleotides after coding exon 20 in the BRCA2 gene. Functional splicing assays have shown this alteration to result in loss of the native donor site and the subsequent activation of a cryptic splice site at the c.8754+46 position, resulting in a transcript subject to nonsense-mediated decay (Bonatti F et al. Cancer Genet. Cytogenet. 2006 Oct; 170(2):93-101; Acedo A et al. Hum. Mutat. 2015 Feb; 36(2):210-21; Ambry internal data). This alteration has also been classified as likely pathogenic by multifactorial analyses, which integrate multiple lines of evidence to produce a quantitative likelihood of pathogenicity (Easton DF et al. Am. J. Hum. Genet. 2007 Nov;81:873-83; Lindor NM et al. Hum. Mutat. 2012 Jan;33:8-21; Vallee MP et al. Hum. Mutat. 2012 Jan;33:22-8; Parsons MT et al. Hum. Mutat., 2019 09;40:1557-1578). Protein functional data has shown that this variant results in significantly impaired homology-directed repair activity (Mesman RLS et al. Genet Med 2020 Aug;22(8):1355-1365). Of note, this alteration is also designated as IVS21+4A>G in published literature. This variant was not reported in population-based cohorts in the Genome Aggregation Database (gnomAD). In silico splice site analysis predicts that this alteration will weaken the native splice donor site and will result in the creation or strengthening of a novel splice donor site. Based on the supporting evidence, this alteration is interpreted as a disease-causing mutation.

Laboratory for Molecular Medicine, Mass General Brigham Personalized Medicine
Classification: Likely pathogenic for Hereditary breast ovarian cancer syndrome. Last evaluated: 2023-05-15. Review status: criteria provided, single submitter. Criteria: ACMG Guidelines, 2015. Collection method: clinical testing. Allele origin: germline. Inheritance: Autosomal dominant inheritance. Not counted in ClinVar's aggregate classification.
Comment: The c.8754+4A>G variant in BRCA2 has been reported in over 9 individuals with BRCA2-associated cancers, including at least 1 male with breast cancer, and segregated with disease in at least 4 affected relatives from one family (Rashid 2019 PMID: 31528241, Vietri 2012 PMID: 23096105, Pritchard 2016 PMID: 27433846, Houdayer 2012 PMID: 22505045, Ding 2011 PMID: 20927582, Lee 2008 PMID: 18284688, Bonatti 2006 PMID: 17011978). It was absent from large population studies. This variant is located in the 5' splice region. Computational tools predict a splicing impact. This is corroborated by multiple studies show that this variant results in the loss of the original donor site and the creation of a cryptic splice site that interferes with normal splicing, resulting in an aberrant transcript that is subjected to nonsense-mediated decay (Acedo 2015 PMID: 25382762, Houdayer 2012 PMID: 22505045, Bonatti 2006 PMID: 17011978). Additionally, in vitro cell viability assay studies show that this variant displayed full complementation to its wildtype counterpart, but a homology directed repair (HDR) assay shows that its HDR capacity is severely impaired (Mesman 2020 PMID: 32398771). Additionally, this variant was classified as pathogenic on June 18, 2019 by the ClinGen-approved ENIGMA expert panel (Variation ID 52669). In summary, this variant meets criteria to be classified as likely pathogenic for autosomal dominant hereditary breast and ovarian cancer. ACMG/AMP Criteria applied: PS4, PM2_Supporting, PS3_Moderate, PP1, PP3.

Revvity Omics, Revvity
Classification: Likely pathogenic. Last evaluated: 2023-01-10. Review status: criteria provided, single submitter. Criteria: ACMG Guidelines, 2015. Collection method: clinical testing. Allele origin: germline. Not counted in ClinVar's aggregate classification.